The following is an entry in ClinVar:

ClinVar aggregate classification (germline): Uncertain significance (1 of 4 stars; one submission).

Conditions:
DICER1-related tumor predisposition. Also called: DICER1 syndrome; DICER1-related pleuropulmonary blastoma cancer predisposition syndrome. Identifiers: Orphanet 284343, MedGen C3839822, MONDO:0100216.

Submission:

Labcorp Genetics (formerly Invitae), Labcorp
Classification: Uncertain significance for DICER1-related tumor predisposition. Last evaluated: 2022-07-27. Review status: criteria provided, single submitter. Criteria: Invitae Variant Classification Sherloc (09022015). Collection method: clinical testing. Allele origin: germline.
Comment: This sequence change replaces arginine, which is basic and polar, with leucine, which is neutral and non-polar, at codon 1851 of the DICER1 protein (p.Arg1851Leu). This variant is not present in population databases (gnomAD no frequency). This variant has not been reported in the literature in individuals affected with DICER1-related conditions. Algorithms developed to predict the effect of missense changes on protein structure and function (SIFT, PolyPhen-2, Align-GVGD) all suggest that this variant is likely to be disruptive. In summary, the available evidence is currently insufficient to determine the role of this variant in disease. Therefore, it has been classified as a Variant of Uncertain Significance.

NM_177438.3(DICER1):c.5552G>T (p.Arg1851Leu)

Gene: DICER1 (dicer 1, ribonuclease III; minus strand). Cytogenetic location: 14q32.13.
Variant type: single nucleotide variant.
Coding change: c.5552G>T on transcript NM_177438.3 (MANE Select); coding-DNA position 5552, G replaced by T.
Protein change: p.Arg1851Leu; replaces arginine 1851 with leucine.
Molecular consequence: missense variant. On other transcripts: non-coding transcript variant (6).
Genome position (GRCh38, 1-based): chr14:95,091,085, C>A on the plus strand (G>T on the coding strand, the complement: DICER1 is on the minus strand). VCF-style: chr14-95091085-C-A. GRCh37 (hg19) VCF-style: chr14-95557422-C-A.
Other names: c.5389G>T, p.Val1797Phe (NM_001195573.1); c.5552G>T, p.Arg1851Leu (NM_001271282.3, NM_001291628.2, NM_001395677.1 and 8 more transcripts); c.5270G>T, p.Arg1757Leu (NM_001395686.1); c.5147G>T, p.Arg1716Leu (NM_001395687.1, NM_001395688.1, NM_001395689.1 and 1 more transcripts); c.4985G>T, p.Arg1662Leu (NM_001395691.1); c.3869G>T, p.Arg1290Leu (NM_001395697.1); short protein forms R1290L, R1662L, R1716L, R1757L, R1851L, V1797F.
Identifiers: ClinVar variation 1713949 (VCV001713949.6), dbSNP rs1426678586, ClinGen allele CA390864311.